The following is an entry in ClinVar:

NM_182914.3(SYNE2):c.17902G>C (p.Glu5968Gln)

Gene: SYNE2 (spectrin repeat containing nuclear envelope protein 2; plus strand). Cytogenetic location: 14q23.2.
Variant type: single nucleotide variant.
Coding change: c.17902G>C on transcript NM_182914.3 (MANE Select); coding-DNA position 17902, G replaced by C.
Protein change: p.Glu5968Gln; replaces glutamic acid 5968 with glutamine.
Molecular consequence: missense variant.
Genome position (GRCh38, 1-based): chr14:64,190,101, G>C. VCF-style: chr14-64190101-G-C. GRCh37 (hg19) VCF-style: chr14-64656819-G-C.
Other names: c.17902G>C, p.Glu5968Gln (NM_015180.6); short protein forms E5968Q.
Identifiers: ClinVar variation 2721151 (VCV002721151.3), dbSNP rs756577484, ClinGen allele CA7223877.
Genomic context (GRCh38, chr14:64,190,101, plus strand): 5'-CCAGGCTTTATGTTTTGGTGCCTTTGCCAGGACTGCATGGAAGAAATAAACTTGTTTAGT[G>C]AAAACAAGTTACAGTTAAAGCAGATGGGTGACCAGTTGATCAAGGCCAGCAACAAATCAA-3'
Protein context (NP_878918.2, residues 5958-5978): DCMEEINLFS[Glu5968Gln]NKLQLKQMGD

ClinVar aggregate classification (germline): Uncertain significance (1 of 4 stars; one submission).

Conditions:
Emery-Dreifuss muscular dystrophy 5, autosomal dominant (EDMD5). Also called: EMERY-DREIFUSS MUSCULAR DYSTROPHY 5. Identifiers: Orphanet 261, MedGen C2751805, MONDO:0013072, OMIM 612999.

Allele frequency attached by ClinVar (database versions not stated): gnomAD exomes below 0.00001; TOPMed below 0.00001; ExAC 0.00001.
gnomAD v4.1: 2 of 1,613,974 alleles (0.00012%); highest among the groups gnomAD compares: Admixed American, 0.0033%; no homozygotes.

Submission:

Labcorp Genetics (formerly Invitae), Labcorp
Classification: Uncertain significance for Emery-Dreifuss muscular dystrophy 5, autosomal dominant. Last evaluated: 2025-09-28. Review status: criteria provided, single submitter. Criteria: Invitae Variant Classification Sherloc (09022015). Collection method: clinical testing. Allele origin: germline.
Comment: This sequence change replaces glutamic acid, which is acidic and polar, with glutamine, which is neutral and polar, at codon 5968 of the SYNE2 protein (p.Glu5968Gln). This variant is present in population databases (rs756577484, gnomAD 0.006%). This variant has not been reported in the literature in individuals affected with SYNE2-related conditions. ClinVar contains an entry for this variant (Variation ID: 2721151). An algorithm developed to predict the effect of missense changes on protein structure and function (PolyPhen-2) suggests that this variant is likely to be disruptive. In summary, the available evidence is currently insufficient to determine the role of this variant in disease. Therefore, it has been classified as a Variant of Uncertain Significance.